The following is an entry in ClinVar:

ClinVar aggregate classification (germline): Benign/Likely benign. Review status: criteria provided, multiple submitters, no conflicts (2 of 4 stars). 2 submissions from 2 submitters: Benign (1); Likely benign (1). Last evaluated 2025-07-31.

Conditions:
MAPKBP1-related disorder. Also called: MAPKBP1-related condition.

Allele frequency attached by ClinVar (database versions not stated): gnomAD exomes 0.00001; ExAC 0.00002; TOPMed 0.00004.
gnomAD v4.1: 53 of 1,614,054 alleles (0.0033%); highest among the groups gnomAD compares: East Asian, 0.018%; 2 homozygotes.

Submissions (2):

PreventionGenetics, part of Exact Sciences
Classification: Likely benign for MAPKBP1-related condition. Last evaluated: 2025-07-31. Review status: criteria provided, single submitter. Criteria: ACMG Guidelines, 2015. Collection method: clinical testing. Allele origin: germline.
Comment: This variant is classified as likely benign based on ACMG/AMP sequence variant interpretation guidelines (Richards et al. 2015 PMID: 25741868, with internal and published modifications).

Labcorp Genetics (formerly Invitae), Labcorp
Classification: Benign. Last evaluated: 2025-02-17. Review status: criteria provided, single submitter. Criteria: Invitae Variant Classification Sherloc (09022015). Collection method: clinical testing. Allele origin: germline.

NM_014994.3(MAPKBP1):c.2577C>T (p.Ser859=)

Gene: MAPKBP1 (mitogen-activated protein kinase binding protein 1; plus strand). Cytogenetic location: 15q15.1.
Variant type: single nucleotide variant.
Coding change: c.2577C>T on transcript NM_014994.3 (MANE Select); coding-DNA position 2577, C replaced by T.
Protein change: p.Ser859=; no amino-acid change (serine 859 retained).
Molecular consequence: synonymous variant. On other transcripts: non-coding transcript variant (2).
Genome position (GRCh38, 1-based): chr15:41,820,927, C>T. VCF-style: chr15-41820927-C-T. GRCh37 (hg19) VCF-style: chr15-42113125-C-T.
Other names: c.2595C>T (NM_001128608.1); c.2595C>T, p.Ser865= (NM_001128608.2); c.2577C>T, p.Ser859= (NM_001265611.2).
Identifiers: ClinVar variation 2711790 (VCV002711790.4), dbSNP rs370870907, ClinGen allele CA7498314.